The following is an entry in ClinVar:

NM_014687.4(RUBCN):c.8C>T (p.Pro3Leu)

Gene: RUBCN (rubicon autophagy regulator; minus strand). Cytogenetic location: 3q29.
Variant type: single nucleotide variant.
Coding change: c.8C>T on transcript NM_014687.4 (MANE Select); coding-DNA position 8, C replaced by T.
Protein change: p.Pro3Leu; replaces proline 3 with leucine.
Molecular consequence: missense variant. On other transcripts: intron variant (1).
Genome position (GRCh38, 1-based): chr3:197,736,712, G>A on the plus strand (C>T on the coding strand, the complement: RUBCN is on the minus strand). VCF-style: chr3-197736712-G-A. GRCh37 (hg19) VCF-style: chr3-197463583-G-A.
Other names: c.8C>T, p.Pro3Leu (NM_001346873.2); c.-116+12557C>T (NM_001145642.5); short protein forms P3L.
Identifiers: ClinVar variation 3257350 (VCV003257350.17).

ClinVar aggregate classification (germline): Uncertain significance (1 of 4 stars; one submission).

gnomAD v4.1: 2 of 1,528,858 alleles (0.00013%); highest among the groups gnomAD compares: Non-Finnish European, 0.00017%; no homozygotes.

Submission:

CeGaT Center for Human Genetics Tuebingen
Classification: Uncertain significance. Last evaluated: 2024-07-01. Review status: criteria provided, single submitter. Criteria: CeGaT Center For Human Genetics Tuebingen Variant Classification Criteria Version 2. Collection method: clinical testing. Allele origin: germline. Affected: yes. Observed: 1 variant allele.
Comment: RUBCN: PM2